The following is an entry in ClinVar:

ClinVar aggregate classification (germline): Conflicting classifications of pathogenicity. Review status: criteria provided, conflicting classifications (1 of 4 stars). 3 submissions from 3 submitters: Pathogenic (1); Likely pathogenic (1); Uncertain significance (1). Last evaluated 2023-06-01.

Conditions:
Global developmental delay (DD). Also called: Cognitive delay. Identifiers: MedGen C0557874, HP:0001263. Disease mechanism: loss of function.
Cerebellar atrophy. Identifiers: MedGen C0740279, HP:0001272.

Allele frequency attached by ClinVar (database versions not stated): gnomAD exomes below 0.00001; TOPMed 0.00001.
gnomAD v4.1: 8 of 1,614,034 alleles (0.0005%); highest among the groups gnomAD compares: East Asian, 0.0022%; no homozygotes.

Submissions (3):

CeGaT Center for Human Genetics Tuebingen
Classification: Likely pathogenic. Last evaluated: 2023-06-01. Review status: criteria provided, single submitter. Criteria: CeGaT Center For Human Genetics Tuebingen Variant Classification Criteria Version 2. Collection method: clinical testing. Allele origin: germline. Affected: yes. Observed: 3 variant alleles.
Comment: EMC1: PM3:Strong, PM2

Labcorp Genetics (formerly Invitae), Labcorp
Classification: Uncertain significance. Last evaluated: 2022-05-20. Review status: criteria provided, single submitter. Criteria: Invitae Variant Classification Sherloc (09022015). Collection method: clinical testing. Allele origin: germline.
Comment: This sequence change replaces phenylalanine, which is neutral and non-polar, with serine, which is neutral and polar, at codon 953 of the EMC1 protein (p.Phe953Ser). This variant is present in population databases (no rsID available, gnomAD no frequency). This missense change has been observed in individual(s) with clinical features of EMC1-related conditions (PMID: 32092440). ClinVar contains an entry for this variant (Variation ID: 691806). Algorithms developed to predict the effect of missense changes on protein structure and function (SIFT, PolyPhen-2, Align-GVGD) all suggest that this variant is likely to be disruptive. In summary, the available evidence is currently insufficient to determine the role of this variant in disease. Therefore, it has been classified as a Variant of Uncertain Significance.

Cytogénomique, Hospices Civils de Lyon
Classification: Pathogenic for Global developmental delay; Cerebellar atrophy. Last evaluated: 2019-10-07. Review status: criteria provided, single submitter. Criteria: ACMG Guidelines, 2015. Collection method: clinical testing. Allele origin: maternal. Inheritance: Autosomal recessive inheritance. Affected: yes. Observed: 1 variant allele, 1 compound heterozygote.

Literature cited by the submitters: PubMed 32092440 (cited by Labcorp Genetics (formerly Invitae), Labcorp).

NM_015047.3(EMC1):c.2858T>C (p.Phe953Ser)

Genes: EMC1 (ER membrane protein complex subunit 1; minus strand), EMC1-AS1 (EMC1 antisense RNA 1; plus strand). Cytogenetic location: 1p36.13.
Variant type: single nucleotide variant.
Coding change: c.2858T>C on transcript NM_015047.3 (MANE Select); coding-DNA position 2858, T replaced by C.
Protein change: p.Phe953Ser; replaces phenylalanine 953 with serine.
Molecular consequence: missense variant.
Genome position (GRCh38, 1-based): chr1:19,219,427, A>G on the plus strand (T>C on the coding strand, the complement: EMC1 is on the minus strand). VCF-style: chr1-19219427-A-G. GRCh37 (hg19) VCF-style: chr1-19545921-A-G.
Other names: c.2855T>C, p.Phe952Ser (NM_001271427.2, NM_001271428.2); c.2792T>C, p.Phe931Ser (NM_001271429.2); short protein forms F952S, F931S, F953S.
Identifiers: ClinVar variation 691806 (VCV000691806.47), dbSNP rs1267383375, ClinGen allele CA338749164.